The following is an entry in ClinVar:

NM_001204.7(BMPR2):c.2276C>T (p.Pro759Leu)

Gene: BMPR2 (bone morphogenetic protein receptor type 2; plus strand). Cytogenetic location: 2q33.2.
Variant type: single nucleotide variant.
Coding change: c.2276C>T on transcript NM_001204.7 (MANE Select); coding-DNA position 2276, C replaced by T.
Protein change: p.Pro759Leu; replaces proline 759 with leucine.
Molecular consequence: missense variant.
Genome position (GRCh38, 1-based): chr2:202,555,941, C>T. VCF-style: chr2-202555941-C-T. GRCh37 (hg19) VCF-style: chr2-203420664-C-T.
Other names: short protein forms P759L.
Identifiers: ClinVar variation 3481334 (VCV003481334.1).

ClinVar aggregate classification (germline): Uncertain significance (1 of 4 stars; one submission).

Conditions:
Inborn genetic diseases. Identifiers: MedGen C0950123, MeSH D030342.

gnomAD v4.1: 4 of 1,614,138 alleles (0.00025%); highest among the groups gnomAD compares: Non-Finnish European, 0.00034%; no homozygotes.

Submission:

Ambry Genetics
Classification: Uncertain significance for Inborn genetic diseases. Last evaluated: 2024-12-04. Review status: criteria provided, single submitter. Criteria: Ambry Variant Classification Scheme 2023. Collection method: clinical testing. Allele origin: germline.
Comment: The p.P759L variant (also known as c.2276C>T), located in coding exon 12 of the BMPR2 gene, results from a C to T substitution at nucleotide position 2276. The proline at codon 759 is replaced by leucine, an amino acid with similar properties. This amino acid position is conserved. In addition, the in silico prediction for this alteration is inconclusive. Based on the available evidence, the clinical significance of this variant remains unclear.